The following is an entry in ClinVar:

NM_001134407.3(GRIN2A):c.2975A>G (p.Asn992Ser)

Gene: GRIN2A (glutamate ionotropic receptor NMDA type subunit 2A; minus strand). Cytogenetic location: 16p13.2.
Variant type: single nucleotide variant.
Coding change: c.2975A>G on transcript NM_001134407.3 (MANE Select); coding-DNA position 2975, A replaced by G.
Protein change: p.Asn992Ser; replaces asparagine 992 with serine.
Molecular consequence: missense variant.
Genome position (GRCh38, 1-based): chr16:9,764,569, T>C on the plus strand (A>G on the coding strand, the complement: GRIN2A is on the minus strand). VCF-style: chr16-9764569-T-C. GRCh37 (hg19) VCF-style: chr16-9858426-T-C.
Other names: c.2975A>G, p.Asn992Ser (NM_000833.5, NM_001134408.2); short protein forms N992S.
Identifiers: ClinVar variation 2889070 (VCV002889070.3), dbSNP rs2505970000, ClinGen allele CA394708938.

ClinVar aggregate classification (germline): Uncertain significance (1 of 4 stars; one submission).

Conditions:
Landau-Kleffner syndrome (FESD). Also called: EPILEPSY, FOCAL, WITH SPEECH DISORDER AND WITH OR WITHOUT MENTAL RETARDATION; APHASIA, ACQUIRED, WITH EPILEPSY. Identifiers: Orphanet 1945, Orphanet 725, Orphanet 98818, MedGen C0282512, MONDO:0009509, OMIM 245570.

Submission:

Labcorp Genetics (formerly Invitae), Labcorp
Classification: Uncertain significance for Landau-Kleffner syndrome. Last evaluated: 2023-11-10. Review status: criteria provided, single submitter. Criteria: Invitae Variant Classification Sherloc (09022015). Collection method: clinical testing. Allele origin: germline.
Comment: This sequence change replaces asparagine, which is neutral and polar, with serine, which is neutral and polar, at codon 992 of the GRIN2A protein (p.Asn992Ser). This variant is not present in population databases (gnomAD no frequency). This variant has not been reported in the literature in individuals affected with GRIN2A-related conditions. Advanced modeling of protein sequence and biophysical properties (such as structural, functional, and spatial information, amino acid conservation, physicochemical variation, residue mobility, and thermodynamic stability) performed at Invitae indicates that this missense variant is not expected to disrupt GRIN2A protein function with a negative predictive value of 95%. In summary, the available evidence is currently insufficient to determine the role of this variant in disease. Therefore, it has been classified as a Variant of Uncertain Significance.